The following is an entry in ClinVar:

NM_000052.7(ATP7A):c.1758C>T (p.Leu586=)

Gene: ATP7A (ATPase copper transporting alpha; plus strand). Cytogenetic location: Xq21.1.
Variant type: single nucleotide variant.
Coding change: c.1758C>T on transcript NM_000052.7 (MANE Select); coding-DNA position 1758, C replaced by T.
Protein change: p.Leu586=; no amino-acid change (leucine 586 retained).
Molecular consequence: synonymous variant.
Genome position (GRCh38, 1-based): chrX:78,009,152, C>T. VCF-style: chrX-78009152-C-T. GRCh37 (hg19) VCF-style: chrX-77264649-C-T.
Other names: c.1758C>T, p.Leu586= (NM_001282224.2).
Identifiers: ClinVar variation 514740 (VCV000514740.1), dbSNP rs1557234088, ClinGen allele CA517057310.

ClinVar aggregate classification (germline): Likely benign (1 of 4 stars; one submission).

Submission:

GeneDx
Classification: Likely benign. Last evaluated: 2018-01-25. Review status: criteria provided, single submitter. Criteria: GeneDx Variant Classification (06012015). Collection method: clinical testing. Allele origin: germline. Affected: yes.
Comment: This variant is considered likely benign or benign based on one or more of the following criteria: it is a conservative change, it occurs at a poorly conserved position in the protein, it is predicted to be benign by multiple in silico algorithms, and/or has population frequency not consistent with disease.